The following is an entry in ClinVar:

ClinVar aggregate classification (germline): Uncertain significance. Review status: criteria provided, multiple submitters, no conflicts (2 of 4 stars). 11 submissions from 11 submitters: Uncertain significance (8). 3 of the submissions do not count toward it. Last evaluated 2026-07-28.

Conditions:
CFTR-related disorder (CFTR-RD). Also called: CFTR-related condition; CFTR-related disorders. Identifiers: MedGen C5924204, MONDO:7770004.
Hereditary pancreatitis (PCTT). Also called: PRSS1-Related Hereditary Pancreatitis; Hereditary chronic pancreatitis. Identifiers: Orphanet 676, MedGen C0238339, MONDO:0008185, OMIM 167800.
Bronchiectasis with or without elevated sweat chloride 1 (BESC1). Also called: Cystic Fibrosis-Like Syndrome. Identifiers: Orphanet 60033, MedGen C2749757, MONDO:0008887, OMIM 211400.
Congenital bilateral aplasia of vas deferens from CFTR mutation (CBAVD). Identifiers: Orphanet 48, MedGen C0403814, MONDO:0010178, OMIM 277180. Disease mechanism: loss of function.
Cystic fibrosis (CF). Also called: MUCOVISCIDOSIS. Identifiers: Orphanet 586, MedGen C0010674, MONDO:0009061, OMIM 219700. Disease mechanism: loss of function.

Allele frequency attached by ClinVar (database versions not stated): gnomAD exomes 0.00002 and 0.00005; TOPMed 0.00008; gnomAD 0.00009; 1000 Genomes Project 0.00020; 1000 Genomes Project 30x 0.00031.
gnomAD v4.1: 40 of 1,613,168 alleles (0.0025%); highest among the groups gnomAD compares: African/African-American, 0.013%; no homozygotes.

Submissions (11):

PreventionGenetics, part of Exact Sciences
Classification: Uncertain significance for CFTR-related condition. Last evaluated: 2026-07-28. Review status: criteria provided, single submitter. Criteria: ACMG Guidelines, 2015. Collection method: clinical testing. Allele origin: germline.
Comment: The CFTR c.889C>T variant is predicted to result in the amino acid substitution p.Arg297Trp. This variant has been reported in individuals with CFTR-related disorders such as congenital absence of vas deferens and pancreatitis (Doerk et al 1997. PubMed ID: 9272157; Sultan M et al 2012. PubMed ID: 22094894). This variant is reported in 0.031% of alleles in individuals of African descent in gnomAD, and is classified as uncertain in ClinVar (Variation ID: 54080). At this time, the clinical significance of this variant is uncertain due to the absence of conclusive functional and genetic evidence.

Women's Health and Genetics/Laboratory Corporation of America, LabCorp
Classification: Uncertain significance. Last evaluated: 2026-03-09. Review status: criteria provided, single submitter. Criteria: LabCorp Variant Classification Summary - May 2015. Collection method: clinical testing. Allele origin: germline.
Comment: Variant summary: CFTR c.889C>T (p.Arg297Trp) results in a non-conservative amino acid change located in the ABC transporter type 1, transmembrane domain (IPR011527) of the encoded protein sequence. Algorithms developed to predict the effect of missense changes on protein structure and function all suggest that this variant is likely to be disruptive. The variant allele was found at a frequency of 4.8e-05 in 250500 control chromosomes. This frequency is not significantly higher than estimated for disease-c.889C>T has been reported in the literature as a compound heterozygous genotype with the 5T allele on the background of a homozygous c.4056G>C (p.Gln1352His) genotype in an individual affected with CBAVD (Dork_1997). This finding is interpreted as a complex allele in cis with c.4056G>C (p.Gln1352His). It has also been reported as a non-informative (second allele not specified) genotype in an individual with chronic pancreatitis (CP) (Sultan_2012). To our knowledge, no experimental evidence demonstrating an impact on protein function has been reported. The following publications have been ascertained in the context of this evaluation (PMID: 9272157, 19810821, 22094894, 26277102). ClinVar contains an entry for this variant (Variation ID: 54080). Based on the evidence outlined above, the variant was classified as uncertain significance.

Ambry Genetics
Classification: Uncertain significance for Cystic fibrosis. Last evaluated: 2025-11-18. Review status: criteria provided, single submitter. Criteria: Ambry Variant Classification Scheme 2023. Collection method: clinical testing. Allele origin: germline.
Comment: The p.R297W variant (also known as c.889C>T), located in coding exon 8 of the CFTR gene, results from a C to T substitution at nucleotide position 889. The arginine at codon 297 is replaced by tryptophan, an amino acid with dissimilar properties. This variant was described in an individual with congenital bilateral absence of the vas deferens, who reportedly had additional CFTR variants detected, including the 5T allele in trans and homozygous p.Q1352H alleles (D&ouml;rk T et al. Hum Genet, 1997 Sep;100:365-77). This variant was also detected in a pediatric chronic pancreatitis cohort in one case who was heterozygous for this variant with no additional variants reported (Sultan M et al. J Pediatr Gastroenterol Nutr, 2012 May;54:645-50). This amino acid position is highly conserved in available vertebrate species. In addition, this alteration is predicted to be deleterious by in silico analysis. Since supporting evidence is limited at this time, the clinical significance of this alteration remains unclear.

Revvity Omics, Revvity
Classification: Uncertain significance. Last evaluated: 2025-07-30. Review status: criteria provided, single submitter. Criteria: ACMG Guidelines, 2015. Collection method: clinical testing. Allele origin: germline.

ARUP Laboratories, Molecular Genetics and Genomics, ARUP Laboratories
Classification: Uncertain significance. Last evaluated: 2023-11-28. Review status: criteria provided, single submitter. Criteria: ARUP Molecular Germline Variant Investigation Process 2024. Collection method: clinical testing. Allele origin: germline.
Comment: The CFTR c.889C>T; p.Arg297Trp variant (rs397508814) is reported in the literature in individuals with CFTR-related disorders including congenital absence of vas deferens and pancreatitis (Dork 1997, Sultan 2012, Yang 2015). This variant is also reported in ClinVar (Variation ID: 54080). It is observed in the general population with an overall allele frequency of 0.005% (12/250500 alleles) in the Genome Aggregation Database (v2.1.1). Computational analyses predict that this variant is deleterious (REVEL: 0.859). However, due to limited clinical and functional data, the significance of this variant is uncertain at this time. References: Dork T et al. Distinct spectrum of CFTR gene mutations in congenital absence of vas deferens. Hum Genet. 1997 Sep;100(3-4):365-77. PMID: 9272157. Sultan M et al. Genetic prevalence and characteristics in children with recurrent pancreatitis. J Pediatr Gastroenterol Nutr. 2012 May;54(5):645-50. PMID: 22094894. Yang X et al. Novel mutations and polymorphisms in the CFTR gene associated with three subtypes of congenital absence of vas deferens. Fertil Steril. 2015 Nov;104(5):1268-75.e1-2. PMID: 26277102.

Labcorp Genetics (formerly Invitae), Labcorp
Classification: Uncertain significance for Cystic fibrosis. Last evaluated: 2022-09-06. Review status: criteria provided, single submitter. Criteria: Invitae Variant Classification Sherloc (09022015). Collection method: clinical testing. Allele origin: germline.
Comment: This sequence change replaces arginine, which is basic and polar, with tryptophan, which is neutral and slightly polar, at codon 297 of the CFTR protein (p.Arg297Trp). This variant is present in population databases (rs397508814, gnomAD 0.03%). This missense change has been observed in individual(s) with chronic or recurrent pancreatitis and congenital absence of the vas deferens (PMID: 9272157, 22094894). ClinVar contains an entry for this variant (Variation ID: 54080). Algorithms developed to predict the effect of missense changes on protein structure and function are either unavailable or do not agree on the potential impact of this missense change (SIFT: "Deleterious"; PolyPhen-2: "Benign"; Align-GVGD: "Class C0"). In summary, the available evidence is currently insufficient to determine the role of this variant in disease. Therefore, it has been classified as a Variant of Uncertain Significance.

Fulgent Genetics
Classification: Uncertain significance for Hereditary pancreatitis; Bronchiectasis with or without elevated sweat chloride 1; Cystic fibrosis; Congenital bilateral aplasia of vas deferens from CFTR mutation. Last evaluated: 2022-03-03. Review status: criteria provided, single submitter. Criteria: ACMG Guidelines, 2015. Collection method: clinical testing. Allele origin: unknown.

Genome-Nilou Lab
Classification: Uncertain significance for Cystic fibrosis. Last evaluated: 2021-09-05. Review status: criteria provided, single submitter. Criteria: ACMG Guidelines, 2015. Collection method: clinical testing. Allele origin: germline. Affected: no.

Natera, Inc.
Classification: Uncertain significance for CFTR-related disorders. Last evaluated: 2018-06-01. Review status: no assertion criteria provided. Collection method: clinical testing. Allele origin: germline. Not counted in ClinVar's aggregate classification.

Counsyl
Classification: Uncertain significance for Cystic fibrosis. Last evaluated: 2016-12-15. Review status: no assertion criteria provided. Collection method: clinical testing. Allele origin: unknown. Not counted in ClinVar's aggregate classification.

ClinVar Staff, National Center for Biotechnology Information (NCBI)
No classification provided. Condition: CFTR-related disorders. Review status: no classification provided. Collection method: literature only. Allele origin: germline. Affected: yes. Not counted in ClinVar's aggregate classification.

Literature cited by the submitters: PubMed 9272157 (cited by 3 submitters); PubMed 19810821 (cited by 3 submitters); PubMed 22094894 (cited by 3 submitters); PubMed 26277102 (cited by Women's Health and Genetics/Laboratory Corporation of America, LabCorp); PubMed 25087612 (cited by Ambry Genetics).

NM_000492.4(CFTR):c.889C>T (p.Arg297Trp)

Gene: CFTR (CF transmembrane conductance regulator; plus strand). Cytogenetic location: 7q31.2.
Variant type: single nucleotide variant.
Coding change: c.889C>T on transcript NM_000492.4 (MANE Select); coding-DNA position 889, C replaced by T.
Protein change: p.Arg297Trp; replaces arginine 297 with tryptophan.
Molecular consequence: missense variant.
Genome position (GRCh38, 1-based): chr7:117,540,119, C>T. VCF-style: chr7-117540119-C-T. GRCh37 (hg19) VCF-style: chr7-117180173-C-T.
Other names: short protein forms R297W.
Identifiers: ClinVar variation 54080 (VCV000054080.21), dbSNP rs397508814, ClinGen allele CA327683.